The following is an entry in ClinVar:

ClinVar aggregate classification (germline): Pathogenic. Review status: reviewed by expert panel (3 of 4 stars). 18 submissions from 18 submitters: Pathogenic (1). 17 of the submissions do not count toward it. Last evaluated 2016-04-22.

Conditions:
Hereditary cancer-predisposing syndrome. Also called: Tumor predisposition; Neoplastic Syndromes, Hereditary; Hereditary neoplastic syndrome; Hereditary Cancer Syndrome. Identifiers: Orphanet 140162, MedGen C0027672, MeSH D009386, MONDO:0015356.
Hereditary breast ovarian cancer syndrome. Also called: Hereditary breast and ovarian cancer; Hereditary breast and ovarian cancer syndrome (HBOC); Hereditary breast and/or ovarian cancer syndrome; Breast and ovarian cancer; Hereditary breast and ovarian cancer syndrome; BRCA1- and BRCA2-Associated Hereditary Breast and Ovarian Cancer. Identifiers: Orphanet 145, MedGen C0677776, MeSH D061325, MONDO:0003582. Disease mechanism: loss of function.
Breast-ovarian cancer, familial, susceptibility to, 2 (BROVCA2). Also called: BRCA2 Hereditary Breast and Ovarian Cancer. Identifiers: Orphanet 145, MedGen C2675520, MONDO:0012933, OMIM 612555. Disease mechanism: loss of function.
Familial cancer of breast. Also called: Hereditary breast cancer; BREAST CANCER, FAMILIAL; hereditary breast carcinoma. Identifiers: Orphanet 227535, MedGen C0346153, MONDO:0016419, OMIM 114480. Disease mechanism: loss of function.
Malignant tumor of breast. Also called: Malignant breast neoplasm; Cancer breast. Identifiers: MedGen C0006142, MONDO:0007254. Disease mechanism: loss of function.

Submissions (18):

Evidence-based Network for the Interpretation of Germline Mutant Alleles (ENIGMA)
Classification: Pathogenic for Breast-ovarian cancer, familial, susceptibility to, 2. Last evaluated: 2016-04-22. Review status: reviewed by expert panel. Criteria: ENIGMA BRCA1/2 Classification Criteria (2015). Collection method: curation. Allele origin: germline.
Comment: Variant allele predicted to encode a truncated non-functional protein.

Labcorp Genetics (formerly Invitae), Labcorp
Classification: Pathogenic for Hereditary breast ovarian cancer syndrome. Last evaluated: 2025-11-10. Review status: criteria provided, single submitter. Criteria: Invitae Variant Classification Sherloc (09022015). Collection method: clinical testing. Allele origin: germline. Not counted in ClinVar's aggregate classification.
Comment: This sequence change creates a premature translational stop signal (p.Cys2473*) in the BRCA2 gene. It is expected to result in an absent or disrupted protein product. Loss-of-function variants in BRCA2 are known to be pathogenic (PMID: 20104584). This variant is present in population databases (rs80359651, gnomAD 0.0009%). This premature translational stop signal has been observed in individual(s) with hereditary breast and ovarian cancer (PMID: 14574155, 15955690, 16683254, 24285858). This variant is also known as c.7647delTG. For these reasons, this variant has been classified as Pathogenic.

Department of Clinical Genetics, Copenhagen University Hospital, Rigshospitalet
Classification: Pathogenic for Familial cancer of breast. Last evaluated: 2025-05-15. Review status: criteria provided, single submitter. Criteria: ACMG Guidelines, 2015. Collection method: clinical testing. Allele origin: germline. Not counted in ClinVar's aggregate classification.
Comment: The following ACMG criteria has been used: PVS1; PM5_Strong (PTC)

Molecular Pathology, Peter Maccallum Cancer Centre
Classification: Pathogenic for Breast-ovarian cancer, familial, susceptibility to, 2. Last evaluated: 2025-03-20. Review status: criteria provided, single submitter. Criteria: ACMG Guidelines, 2015. Collection method: clinical testing. Allele origin: germline. Inheritance: Autosomal dominant inheritance. Not counted in ClinVar's aggregate classification.

Quest Diagnostics Nichols Institute San Juan Capistrano
Classification: Pathogenic. Last evaluated: 2023-09-18. Review status: criteria provided, single submitter. Criteria: Quest Diagnostics criteria. Collection method: clinical testing. Allele origin: unknown. Not counted in ClinVar's aggregate classification.
Comment: This variant alters the translational reading frame of the BRCA2 mRNA and causes the premature termination of BRCA2 protein synthesis. In the published literature, this variant has been reported in individuals with hereditary breast and/or ovarian cancer (PMID: 14574155 (2003), 15955690 (2005), 34326862 (2021), 33471991 (2021), 33471991 (2021)). The frequency of this variant in the general population, 0.000004 (1/250976 chromosomes (Genome Aggregation Database)), is consistent with pathogenicity. Based on the available information, this variant is classified as pathogenic.

Baylor Genetics
Classification: Pathogenic for Familial cancer of breast. Last evaluated: 2023-05-03. Review status: criteria provided, single submitter. Criteria: ACMG Guidelines, 2015. Collection method: clinical testing. Allele origin: unknown. Not counted in ClinVar's aggregate classification.

Ambry Genetics
Classification: Pathogenic for Hereditary cancer-predisposing syndrome. Last evaluated: 2022-11-15. Review status: criteria provided, single submitter. Criteria: Ambry Variant Classification Scheme 2023. Collection method: clinical testing. Allele origin: germline. Not counted in ClinVar's aggregate classification.
Comment: The c.7419_7420delTG pathogenic mutation, located in coding exon 13 of the BRCA2 gene, results from a deletion of two nucleotides at nucleotide positions 7419 to 7420, causing a translational frameshift with a predicted alternate stop codon (p.C2473*). This alteration has been previously identified in multiple individuals and families with early onset breast, ovarian, fallopian tube, and/or primary peritoneal cancer (Piek JM et al. Fam Cancer, 2003;2:73-8; W&aacute;rl&aacute;m-Rodenhuis CC et al. Eur J Cancer, 2005 Jul;41:1409-15). Of note, this alteration is also designated as 7647delTG in published literature. In addition to the clinical data presented in the literature, this alteration is expected to result in loss of function by premature protein truncation or nonsense-mediated mRNA decay. As such, this alteration is interpreted as a disease-causing mutation.

Color Diagnostics, LLC DBA Color Health
Classification: Pathogenic for Hereditary cancer-predisposing syndrome. Last evaluated: 2020-08-24. Review status: criteria provided, single submitter. Criteria: ACMG Guidelines, 2015. Collection method: clinical testing. Allele origin: germline. Not counted in ClinVar's aggregate classification.
Comment: This variant deletes 2 nucleotides in exon 14 of the BRCA2 gene, creating a frameshift and premature translation stop signal. This variant is expected to result in an absent or non-functional protein product. This variant has been reported in individuals and families affected with hereditary breast and/or ovarian cancer (PMID: 14574155, 15955690, 16683254) and is a common disease-causing mutation in the Dutch population (PMID: 25103822). This variant has been identified in 1/250976 chromosomes in the general population by the Genome Aggregation Database (gnomAD). Loss of BRCA2 function is a known mechanism of disease. Based on the available evidence, this variant is classified as Pathogenic.

Women's Health and Genetics/Laboratory Corporation of America, LabCorp
Classification: Pathogenic for Hereditary breast and ovarian cancer syndrome. Last evaluated: 2017-11-09. Review status: criteria provided, single submitter. Criteria: LabCorp Variant Classification Summary - May 2015. Collection method: clinical testing. Allele origin: germline. Not counted in ClinVar's aggregate classification.
Comment: Variant summary: The BRCA2 c.7419_7420delTG (p.Cys2473X) variant results in a premature termination codon, predicted to cause a truncated or absent BRCA2 protein due to nonsense mediated decay, which are commonly known mechanisms for disease. This variant was found in 1/245822 control chromosomes (gnomAD) at a frequency of 0.0000041, which does not exceed the estimated maximal expected allele frequency of a pathogenic BRCA2 variant (0.0007503). Multiple publications have cited the variant in affected individuals and indicate the variant is a Dutch founder mutation. In addition, multiple clinical diagnostic laboratories/reputable databases classified this variant as pathogenic. Taken together, this variant is classified as pathogenic.

Consortium of Investigators of Modifiers of BRCA1/2 (CIMBA), c/o University of Cambridge
Classification: Pathogenic for Breast-ovarian cancer, familial, susceptibility to, 2. Last evaluated: 2015-10-02. Review status: criteria provided, single submitter. Criteria: CIMBA Mutation Classification guidelines May 2016. Collection method: clinical testing. Allele origin: germline. Not counted in ClinVar's aggregate classification.

Clinical Genetics DNA and cytogenetics Diagnostics Lab, Erasmus MC, Erasmus Medical Center
Classification: Pathogenic for Breast-ovarian cancer, familial, susceptibility to, 2. Last evaluated: 2015-09-21. Review status: criteria provided, single submitter. Criteria: ACGS Guidelines, 2013. Collection method: clinical testing. Allele origin: germline. Affected: yes. Study: VKGL Data-share Consensus. Not counted in ClinVar's aggregate classification.

Research Molecular Genetics Laboratory, Women's College Hospital, University of Toronto
Classification: Pathogenic for Hereditary breast ovarian cancer syndrome. Last evaluated: 2014-01-31. Review status: no assertion criteria provided. Collection method: research. Allele origin: germline. Affected: yes. Study: The Canadian Open Genetics Repository (COGR). Not counted in ClinVar's aggregate classification.

Sharing Clinical Reports Project (SCRP)
Classification: Pathogenic for Breast-ovarian cancer, familial 2. Last evaluated: 2009-01-15. Review status: no assertion criteria provided. Collection method: clinical testing. Allele origin: germline. Not counted in ClinVar's aggregate classification.

Breast Cancer Information Core (BIC) (BRCA2)
Classification: Pathogenic for Breast-ovarian cancer, familial 2. Last evaluated: 2004-02-20. Review status: no assertion criteria provided. Collection method: clinical testing. Allele origin: germline. Affected: yes. Observed: 3 variant alleles. Not counted in ClinVar's aggregate classification.

Clinical Genetics Laboratory, Department of Pathology, Netherlands Cancer Institute
Classification: Pathogenic. Review status: no assertion criteria provided. Collection method: clinical testing. Allele origin: germline. Affected: yes. Study: VKGL Data-share Consensus. Not counted in ClinVar's aggregate classification.

Department of Pathology and Laboratory Medicine, Sinai Health System
Classification: Pathogenic for Malignant tumor of breast. Review status: no assertion criteria provided. Collection method: clinical testing. Allele origin: unknown. Affected: yes. Observed: 1 variant allele. Study: The Canadian Open Genetics Repository (COGR). Not counted in ClinVar's aggregate classification.
Comment: The BRCA2 p.Cys2473* variant was identified in dbSNP (ID: rs80359651) as â€šÃ„ÃºWith Pathogenic alleleâ€šÃ„Ã¹, ClinVar (as pathogenic by ENIGMA, CIMBA, Quest Diagnostics, Erasmus Medical Center, University Medical Center Groningen, Women's College Hospital, COGR, SCRP, and BIC), and LOVD 3.0 (76x as pathogenic). The variant was not identified in UMD-LSDB, the Exome Aggregation Consortium (August 8th 2016), or the Genome Aggregation Database (Feb 27, 2017). The variant was also reported in the literature as a founder mutation in the Northern Netherlands, however the frequency of this variant in an affected population was not provided (Vos 2014). The c.7419_7420del variant leads to a premature stop codon at position 2473 which is predicted to lead to a truncated or absent protein and loss of function. Loss of function variants of the BRCA2 gene are an established mechanism of disease in Hereditary Breast and Ovarian Cancer (HBOC) and is the type of variant expected to cause the disorder. In summary, based on the above information this variant meets our laboratoryâ€šÃ„Ã´s criteria to be classified as pathogenic.

Diagnostic Laboratory, Department of Genetics, University Medical Center Groningen
Classification: Pathogenic for Breast-ovarian cancer, familial, susceptibility to, 2. Review status: no assertion criteria provided. Collection method: clinical testing. Allele origin: germline. Affected: yes. Study: VKGL Data-share Consensus. Not counted in ClinVar's aggregate classification.

Laboratory of Diagnostic Genome Analysis, Leiden University Medical Center (LUMC)
Classification: Pathogenic. Review status: no assertion criteria provided. Collection method: clinical testing. Allele origin: germline. Affected: yes. Study: VKGL Data-share Consensus. Not counted in ClinVar's aggregate classification.

Literature cited by the submitters: PubMed 20104584 (cited by Labcorp Genetics (formerly Invitae), Labcorp); PubMed 14574155 (cited by 3 submitters); PubMed 15955690 (cited by 4 submitters); PubMed 16683254 (cited by Labcorp Genetics (formerly Invitae), Labcorp and Women's Health and Genetics/Laboratory Corporation of America, LabCorp); PubMed 24285858 (cited by Labcorp Genetics (formerly Invitae), Labcorp); PubMed 25103822 (cited by Quest Diagnostics Nichols Institute San Juan Capistrano); PubMed 34326862 (cited by Quest Diagnostics Nichols Institute San Juan Capistrano); PubMed 29922827 (cited by Quest Diagnostics Nichols Institute San Juan Capistrano); PubMed 30720243 (cited by Quest Diagnostics Nichols Institute San Juan Capistrano); PubMed 33471991 (cited by Quest Diagnostics Nichols Institute San Juan Capistrano); PubMed 29446198 (cited by Quest Diagnostics Nichols Institute San Juan Capistrano).

NM_000059.4(BRCA2):c.7419_7420del (p.Cys2473_Glu2474delinsTer)

Gene: BRCA2 (BRCA2 DNA repair associated; plus strand). Cytogenetic location: 13q13.1.
Variant type: Microsatellite.
Coding change: c.7419_7420del on transcript NM_000059.4 (MANE Select); coding-DNA positions 7419 to 7420, 2 bases deleted (TG; older notation c.7419_7420delTG).
Protein change: p.Cys2473_Glu2474delinsTer.
Molecular consequence: nonsense.
Genome position (GRCh38, 1-based): chr13:32,355,272-32,355,273, TG deleted; deleting any 2 consecutive bases within chr13:32,355,269-32,355,273 gives the same sequence; the c. name uses the placement nearest the transcript's 3' end. VCF-style (leftmost placement, unchanged base first): chr13-32355268-AGT-A. GRCh37 (hg19) VCF-style: chr13-32929405-AGT-A.
Other names: 7647_7648delTG; 7647delTG; c.7419_7420delTG (NM_000059.3).
Identifiers: ClinVar variation 38095 (VCV000038095.26), dbSNP rs80359651, ClinGen allele CA025073.